The following is an entry in ClinVar:

ClinVar aggregate classification (germline): Conflicting classifications of pathogenicity. Review status: criteria provided, conflicting classifications (1 of 4 stars). 9 submissions from 8 submitters: Uncertain significance (1); Benign (1); Likely benign (4). 3 of the submissions do not count toward it. Last evaluated 2026-09-01.

Conditions:
ROR2-related disorder. Also called: ROR2-related condition; ROR2-related disorders.
Brachydactyly type B1 (BDB1). Identifiers: Orphanet 572385, Orphanet 93383, MedGen C1862112, MONDO:0007220, OMIM 113000.
Autosomal recessive Robinow syndrome (RRS1). Also called: COSTOVERTEBRAL SEGMENTATION DEFECT WITH MESOMELIA; COVESDEM SYNDROME; ROBINOW SYNDROME, AUTOSOMAL RECESSIVE 1; ROR2-Related Robinow Syndrome. Identifiers: Orphanet 1507, Orphanet 97360, MedGen C5399974, MONDO:0009999, OMIM 268310.

Allele frequency attached by ClinVar (database versions not stated): 1000 Genomes Project 0.00040; 1000 Genomes Project 30x 0.00047; gnomAD 0.00173 and 0.00178; TOPMed 0.00179; gnomAD exomes 0.00210 and 0.00258; ExAC 0.00211; ESP Exome Variant Server 0.00254.
gnomAD v4.1: 4,006 of 1,611,196 alleles (0.25%); highest among the groups gnomAD compares: South Asian, 0.45%; 20 homozygotes.

Submissions (9):

CeGaT Center for Human Genetics Tuebingen
Classification: Likely benign. Last evaluated: 2026-09-01. Review status: criteria provided, single submitter. Criteria: CeGaT Center For Human Genetics Tuebingen Variant Classification Criteria Version 2. Collection method: clinical testing. Allele origin: germline. Affected: yes. Observed: 8 variant alleles.
Comment: ROR2: BS2

Labcorp Genetics (formerly Invitae), Labcorp
Classification: Likely benign. Last evaluated: 2026-01-20. Review status: criteria provided, single submitter. Criteria: Invitae Variant Classification Sherloc (09022015). Collection method: clinical testing. Allele origin: germline.

GeneDx
Classification: Likely benign. Last evaluated: 2019-12-16. Review status: criteria provided, single submitter. Criteria: GeneDx Variant Classification Process June 2021. Collection method: clinical testing. Allele origin: germline. Affected: yes.

Illumina Laboratory Services, Illumina
Classification: Likely benign for Autosomal recessive Robinow syndrome. Last evaluated: 2018-01-13. Review status: criteria provided, single submitter. Criteria: ICSL Variant Classification Criteria 13 December 2019. Collection method: clinical testing. Allele origin: germline.
Comment: This variant was observed in the ICSL laboratory as part of a predisposition screen in an ostensibly healthy population. It had not been previously curated by ICSL or reported in the Human Gene Mutation Database (HGMD: prior to June 1st, 2018), and was therefore a candidate for classification through an automated scoring system. Utilizing variant allele frequency, disease prevalence and penetrance estimates, and inheritance mode, an automated score was calculated to assess if this variant is too frequent to cause the disease. Based on the score and internal cut-off values, a variant classified as likely benign is not then subjected to further curation. The score for this variant resulted in a classification of likely benign for this disease.

Illumina Laboratory Services, Illumina
Classification: Benign for Brachydactyly type B1. Last evaluated: 2018-01-13. Review status: criteria provided, single submitter. Criteria: ICSL Variant Classification Criteria 13 December 2019. Collection method: clinical testing. Allele origin: germline.
Comment: This variant was observed in the ICSL laboratory as part of a predisposition screen in an ostensibly healthy population. It had not been previously curated by ICSL or reported in the Human Gene Mutation Database (HGMD: prior to June 1st, 2018), and was therefore a candidate for classification through an automated scoring system. Utilizing variant allele frequency, disease prevalence and penetrance estimates, and inheritance mode, an automated score was calculated to assess if this variant is too frequent to cause the disease. Based on the score and internal cut-off values, a variant classified as benign is not then subjected to further curation. The score for this variant resulted in a classification of benign for this disease.

Eurofins Ntd Llc (ga)
Classification: Uncertain significance. Last evaluated: 2017-01-20. Review status: criteria provided, single submitter. Criteria: EGL Classification Definitions 2015. Collection method: clinical testing. Allele origin: germline. Observed: 4 variant alleles, 4 heterozygotes.

PreventionGenetics, part of Exact Sciences
Classification: Likely benign for ROR2-related condition. Last evaluated: 2020-03-16. Review status: no assertion criteria provided. Collection method: clinical testing. Allele origin: germline. Not counted in ClinVar's aggregate classification.
Comment: This variant is classified as likely benign based on ACMG/AMP sequence variant interpretation guidelines (Richards et al. 2015 PMID: 25741868, with internal and published modifications).

Diagnostic Laboratory, Department of Genetics, University Medical Center Groningen
Classification: Likely benign. Review status: no assertion criteria provided. Collection method: clinical testing. Allele origin: germline. Affected: yes. Study: VKGL Data-share Consensus. Not counted in ClinVar's aggregate classification.

Laboratory of Diagnostic Genome Analysis, Leiden University Medical Center (LUMC)
Classification: Likely benign. Review status: no assertion criteria provided. Collection method: clinical testing. Allele origin: germline. Affected: yes. Study: VKGL Data-share Consensus. Not counted in ClinVar's aggregate classification.

NM_004560.4(ROR2):c.2395C>T (p.Pro799Ser)

Gene: ROR2 (ROR family WNT receptor 2; minus strand). Cytogenetic location: 9q22.31.
Variant type: single nucleotide variant.
Coding change: c.2395C>T on transcript NM_004560.4 (MANE Select); coding-DNA position 2395, C replaced by T.
Protein change: p.Pro799Ser; replaces proline 799 with serine.
Molecular consequence: missense variant.
Genome position (GRCh38, 1-based): chr9:91,724,099, G>A on the plus strand (C>T on the coding strand, the complement: ROR2 is on the minus strand). VCF-style: chr9-91724099-G-A. GRCh37 (hg19) VCF-style: chr9-94486381-G-A.
Other names: short protein forms P799S.
Identifiers: ClinVar variation 199096 (VCV000199096.49), dbSNP rs141235720, ClinGen allele CA248104.